The following is an entry in ClinVar:

NM_000168.6(GLI3):c.1028+15G>A

Gene: GLI3 (GLI family zinc finger 3; minus strand). Cytogenetic location: 7p14.1.
Variant type: single nucleotide variant.
Coding change: c.1028+15G>A on transcript NM_000168.6 (MANE Select); 15 bases into the intron after coding-DNA position 1028, G replaced by A.
Molecular consequence: intron variant.
Genome position (GRCh38, 1-based): chr7:42,040,023, C>T on the plus strand (G>A on the coding strand, the complement: GLI3 is on the minus strand). VCF-style: chr7-42040023-C-T. GRCh37 (hg19) VCF-style: chr7-42079622-C-T.
Identifiers: ClinVar variation 360247 (VCV000360247.14), dbSNP rs116842918, ClinGen allele CA4230991.
Genomic context (GRCh38, chr7:42,040,023, plus strand): 5'-ATGCATCACTACAGGTGCAAACAAGTGCTGACATTACATTTAAAAAACACATAATGGATT[C>T]AGGAAAATACATACCTGATTGCACTTGCAGATAAGTGACCATAGGAGCCACTTGCTGAAG-3'

ClinVar aggregate classification (germline): Benign/Likely benign. Review status: criteria provided, multiple submitters, no conflicts (2 of 4 stars). 6 submissions from 4 submitters: Benign (4); Likely benign (2). Last evaluated 2026-01-15.

Conditions:
Pallister-Hall syndrome (PHS). Also called: HYPOTHALAMIC HAMARTOBLASTOMA, HYPOPITUITARISM, IMPERFORATE ANUS, AND POSTAXIAL POLYDACTYLY; GLI3-Related Pallister-Hall Syndrome. Identifiers: Orphanet 672, MedGen C0265220, MONDO:0007804, OMIM 146510.
Greig cephalopolysyndactyly syndrome (GCPS). Also called: POLYSYNDACTYLY WITH PECULIAR SKULL SHAPE; GLI3-Related Greig Cephalopolysyndactyly Syndrome; Greig syndrome. Identifiers: Orphanet 380, MedGen C0265306, MONDO:0008287, OMIM 175700.
Polydactyly, postaxial, type A1. Identifiers: MedGen C4282400, MONDO:0008266, OMIM 174200.
Polysyndactyly 4. Also called: Polysyndactyly uncomplicated; Preaxial polydactyly 4. Identifiers: Orphanet 93338, MedGen C1868111, MONDO:0008272, OMIM 174700.
Polydactyly. Also called: polydactylism. Identifiers: MedGen C0152427, MONDO:0021003, OMIM 603596, HP:0010442.

Allele frequency attached by ClinVar (database versions not stated): ESP Exome Variant Server 0.00046; TOPMed 0.00098; gnomAD exomes 0.00192 and 0.00391; gnomAD 0.00250 and 0.00267; 1000 Genomes Project 30x 0.00328; ExAC 0.00382; 1000 Genomes Project 0.00419.
gnomAD v4.1: 3,198 of 1,589,522 alleles (0.2%); highest among the groups gnomAD compares: East Asian, 1.9%; 31 homozygotes.

Submissions (6):

Labcorp Genetics (formerly Invitae), Labcorp
Classification: Benign for Pallister-Hall syndrome; Greig cephalopolysyndactyly syndrome. Last evaluated: 2026-01-15. Review status: criteria provided, single submitter. Criteria: Invitae Variant Classification Sherloc (09022015). Collection method: clinical testing. Allele origin: germline.

Blueprint Genetics
Classification: Likely benign. Last evaluated: 2024-11-19. Review status: criteria provided, single submitter. Criteria: ACMG Guidelines, 2015. Collection method: clinical testing. Allele origin: germline.

Fulgent Genetics
Classification: Likely benign for Pallister-Hall syndrome; Polydactyly, postaxial, type A1; Polysyndactyly 4; Greig cephalopolysyndactyly syndrome. Last evaluated: 2021-11-18. Review status: criteria provided, single submitter. Criteria: ACMG Guidelines, 2015. Collection method: clinical testing. Allele origin: unknown.

Illumina Laboratory Services, Illumina
Classification: Benign for Polydactyly. Last evaluated: 2018-01-13. Review status: criteria provided, single submitter. Criteria: ICSL Variant Classification Criteria 13 December 2019. Collection method: clinical testing. Allele origin: germline.
Comment: This variant was observed in the ICSL laboratory as part of a predisposition screen in an ostensibly healthy population. It had not been previously curated by ICSL or reported in the Human Gene Mutation Database (HGMD: prior to June 1st, 2018), and was therefore a candidate for classification through an automated scoring system. Utilizing variant allele frequency, disease prevalence and penetrance estimates, and inheritance mode, an automated score was calculated to assess if this variant is too frequent to cause the disease. Based on the score and internal cut-off values, a variant classified as benign is not then subjected to further curation. The score for this variant resulted in a classification of benign for this disease.

Illumina Laboratory Services, Illumina
Classification: Benign for Pallister-Hall syndrome. Last evaluated: 2018-01-13. Review status: criteria provided, single submitter. Criteria: ICSL Variant Classification Criteria 13 December 2019. Collection method: clinical testing. Allele origin: germline.
Comment: the same text as in the submission from Illumina Laboratory Services, Illumina above.

Illumina Laboratory Services, Illumina
Classification: Benign for Greig cephalopolysyndactyly syndrome. Last evaluated: 2018-01-13. Review status: criteria provided, single submitter. Criteria: ICSL Variant Classification Criteria 13 December 2019. Collection method: clinical testing. Allele origin: germline.
Comment: the same text as in the submission from Illumina Laboratory Services, Illumina above.